The following is an entry in ClinVar:

ClinVar aggregate classification (germline): Benign/Likely benign. Review status: criteria provided, multiple submitters, no conflicts (2 of 4 stars). 3 submissions from 3 submitters: Benign (1); Likely benign (2). Last evaluated 2026-09-01.

Allele frequency attached by ClinVar (database versions not stated): 1000 Genomes Project 0.00160; 1000 Genomes Project 30x 0.00172; TOPMed 0.00222; gnomAD 0.00225 and 0.00227; gnomAD exomes 0.00264 and 0.00377; ExAC 0.00286; ESP Exome Variant Server 0.00292.
gnomAD v4.1: 5,820 of 1,611,974 alleles (0.36%); highest among the groups gnomAD compares: Non-Finnish European, 0.43%; 20 homozygotes.

Submissions (3):

CeGaT Center for Human Genetics Tuebingen
Classification: Likely benign. Last evaluated: 2026-09-01. Review status: criteria provided, single submitter. Criteria: CeGaT Center For Human Genetics Tuebingen Variant Classification Criteria Version 2. Collection method: clinical testing. Allele origin: germline. Affected: yes. Observed: 18 variant alleles.
Comment: DDX11: BP4, BP7, BS2

Labcorp Genetics (formerly Invitae), Labcorp
Classification: Benign. Last evaluated: 2026-01-27. Review status: criteria provided, single submitter. Criteria: Invitae Variant Classification Sherloc (09022015). Collection method: clinical testing. Allele origin: germline.

Blueprint Genetics
Classification: Likely benign. Last evaluated: 2024-11-23. Review status: criteria provided, single submitter. Criteria: ACMG Guidelines, 2015. Collection method: clinical testing. Allele origin: germline.

NM_030653.4(DDX11):c.147G>A (p.Gly49=)

Gene: DDX11 (DEAD/H-box helicase 11; plus strand). Cytogenetic location: 12p11.21.
Variant type: single nucleotide variant.
Coding change: c.147G>A on transcript NM_030653.4 (MANE Select); coding-DNA position 147, G replaced by A.
Protein change: p.Gly49=; no amino-acid change (glycine 49 retained).
Molecular consequence: synonymous variant.
Genome position (GRCh38, 1-based): chr12:31,083,815, G>A. VCF-style: chr12-31083815-G-A. GRCh37 (hg19) VCF-style: chr12-31236749-G-A.
Other names: c.147G>A, p.Gly49= (NM_001257144.2, NM_004399.3, NM_152438.2); c.69G>A, p.Gly23= (NM_001257145.2).
Identifiers: ClinVar variation 708407 (VCV000708407.40), dbSNP rs149147901, ClinGen allele CA6500667.